The following is an entry in ClinVar:

NM_001370100.5(ZMYND11):c.101T>C (p.Ile34Thr)

Gene: ZMYND11 (zinc finger MYND-type containing 11; plus strand). Cytogenetic location: 10p15.3.
Variant type: single nucleotide variant.
Coding change: c.101T>C on transcript NM_001370100.5 (MANE Select); coding-DNA position 101, T replaced by C.
Protein change: p.Ile34Thr; replaces isoleucine 34 with threonine.
Molecular consequence: missense variant. On other transcripts: 5 prime UTR variant (3), non-coding transcript variant (1), intron variant (5).
Genome position (GRCh38, 1-based): chr10:180,113, T>C. VCF-style: chr10-180113-T-C. GRCh37 (hg19) VCF-style: chr10-226053-T-C.
Other names: c.101T>C, p.Ile34Thr (NM_001202464.3, NM_001202465.3, NM_001202466.3 and 24 more transcripts); c.-46T>C (NM_001330057.3, NM_001370112.2, NM_001370123.2); c.-4-29776T>C (NM_001370118.2, NM_001370121.2); c.51-29776T>C (NM_001370116.2, NM_001370120.2); c.-34+45221T>C (NM_001370124.3); short protein forms I34T.
Identifiers: ClinVar variation 1311066 (VCV001311066.2), dbSNP rs2130706518, ClinGen allele CA375841427.

ClinVar aggregate classification (germline): Uncertain significance (1 of 4 stars; one submission).

Submission:

GeneDx
Classification: Uncertain significance. Last evaluated: 2020-09-10. Review status: criteria provided, single submitter. Criteria: GeneDx Variant Classification Process June 2021. Collection method: clinical testing. Allele origin: germline. Affected: yes.
Comment: Not observed in large population cohorts (Lek et al., 2016); In silico analysis, which includes protein predictors and evolutionary conservation, supports that this variant does not alter protein structure/function; Has not been previously published as pathogenic or benign to our knowledge